The following is an entry in ClinVar:

ClinVar aggregate classification (germline): Likely benign (1 of 4 stars; one submission).

Conditions:
COL4A2-related disorder. Also called: COL4A2-related disorders; COL4A2-related condition.

Submission:

PreventionGenetics, part of Exact Sciences
Classification: Likely benign for COL4A2-related condition. Last evaluated: 2026-07-17. Review status: criteria provided, single submitter. Criteria: ACMG Guidelines, 2015. Collection method: clinical testing. Allele origin: germline.
Comment: This variant is classified as likely benign based on ACMG/AMP sequence variant interpretation guidelines (Richards et al. 2015 PMID: 25741868, with internal and published modifications).

NM_001846.4(COL4A2):c.1777-10T>G

Gene: COL4A2 (collagen type IV alpha 2 chain; plus strand). Cytogenetic location: 13q34.
Variant type: single nucleotide variant.
Coding change: c.1777-10T>G on transcript NM_001846.4 (MANE Select); 10 bases into the intron before coding-DNA position 1777, T replaced by G.
Molecular consequence: intron variant.
Genome position (GRCh38, 1-based): chr13:110,465,395, T>G. VCF-style: chr13-110465395-T-G. GRCh37 (hg19) VCF-style: chr13-111117742-T-G.
Identifiers: ClinVar variation 4984812 (VCV004984812.1).